The following is an entry in ClinVar:

ClinVar aggregate classification (germline): Uncertain significance. Review status: criteria provided, multiple submitters, no conflicts (2 of 4 stars). 5 submissions from 5 submitters: Uncertain significance (5). Last evaluated 2025-11-18.

Conditions:
Ullrich congenital muscular dystrophy 2 (UCMD2). Identifiers: Orphanet 75840, MedGen C4225314, MONDO:0014654, OMIM 616470.
Bethlem myopathy 2 (BTHLM2). Identifiers: Orphanet 536516, Orphanet 610, MedGen C4225313, MONDO:0034022, OMIM 616471.

Allele frequency attached by ClinVar (database versions not stated): gnomAD 0.00002; TOPMed 0.00002; ExAC 0.00003; gnomAD exomes 0.00004 and 0.00007.
gnomAD v4.1: 102 of 1,612,776 alleles (0.0063%); highest among the groups gnomAD compares: Non-Finnish European, 0.0084%; no homozygotes.

Submissions (5):

Labcorp Genetics (formerly Invitae), Labcorp
Classification: Uncertain significance for Bethlem myopathy 2; Ullrich congenital muscular dystrophy 2. Last evaluated: 2025-11-18. Review status: criteria provided, single submitter. Criteria: Invitae Variant Classification Sherloc (09022015). Collection method: clinical testing. Allele origin: germline.
Comment: This sequence change replaces threonine, which is neutral and polar, with asparagine, which is neutral and polar, at codon 1099 of the COL12A1 protein (p.Thr1099Asn). This variant is present in population databases (rs768943327, gnomAD 0.006%). This missense change has been observed in individual(s) with clinical features of COL12A1-related conditions (internal data). ClinVar contains an entry for this variant (Variation ID: 650797). Invitae Evidence Modeling of protein sequence and biophysical properties (such as structural, functional, and spatial information, amino acid conservation, physicochemical variation, residue mobility, and thermodynamic stability) indicates that this missense variant is not expected to disrupt COL12A1 protein function with a negative predictive value of 80%. In summary, the available evidence is currently insufficient to determine the role of this variant in disease. Therefore, it has been classified as a Variant of Uncertain Significance.

Women's Health and Genetics/Laboratory Corporation of America, LabCorp
Classification: Uncertain significance. Last evaluated: 2025-09-10. Review status: criteria provided, single submitter. Criteria: LabCorp Variant Classification Summary - May 2015. Collection method: clinical testing. Allele origin: germline.
Comment: Variant summary: COL12A1 c.3296C>A (p.Thr1099Asn) results in a non-conservative amino acid change in the encoded protein sequence. Algorithms developed to predict the effect of missense changes on protein structure and function are either unavailable or do not agree on the potential impact of this missense change. The variant allele was found at a frequency of 3.6e-05 in 248118 control chromosomes. The available data on variant occurrences in the general population are insufficient to allow any conclusion about variant significance. These data do not allow any conclusion about variant significance. To our knowledge, no experimental evidence demonstrating an impact on protein function has been reported. ClinVar contains an entry for this variant (Variation ID: 650797). Based on the evidence outlined above, the variant was classified as uncertain significance.

Clinical Genomics Laboratory, Washington University in St. Louis
Classification: Uncertain significance for Bethlem myopathy 2. Last evaluated: 2025-04-24. Review status: criteria provided, single submitter. Criteria: ACMG Guidelines, 2015. Collection method: clinical testing. Allele origin: germline.
Comment: The COL12A1 c.3296C>A (p.Thr1099Asn) variant, to our knowledge, has not been reported in the medical literature. This variant has been reported in the ClinVar database as a germline variant of uncertain significance by two submitters. This variant is only observed on 10 out of 279,512 alleles in the general population (gnomAD v.2.1.1) which is higher than the incidence of Bethlem myopathy (Saroja AO et al., PMID: 24339618). Computational predictors suggest that the variant does not impact the COL12A1 function. Due to limited information, and based on ACMG/AMP guidelines for variant interpretation (Richards S et al., PMID: 25741868), the clinical significance of this variant is uncertain at this time.

Revvity Omics, Revvity
Classification: Uncertain significance. Last evaluated: 2024-03-05. Review status: criteria provided, single submitter. Criteria: ACMG Guidelines, 2015. Collection method: clinical testing. Allele origin: germline.

GeneDx
Classification: Uncertain significance. Last evaluated: 2023-09-14. Review status: criteria provided, single submitter. Criteria: GeneDx Variant Classification Process June 2021. Collection method: clinical testing. Allele origin: germline. Affected: yes.
Comment: Has not been previously published as pathogenic or benign to our knowledge; In silico analysis supports that this missense variant does not alter protein structure/function

NM_004370.6(COL12A1):c.3296C>A (p.Thr1099Asn)

Gene: COL12A1 (collagen type XII alpha 1 chain; minus strand). Cytogenetic location: 6q13.
Variant type: single nucleotide variant.
Coding change: c.3296C>A on transcript NM_004370.6 (MANE Select); coding-DNA position 3296, C replaced by A.
Protein change: p.Thr1099Asn; replaces threonine 1099 with asparagine.
Molecular consequence: missense variant. On other transcripts: intron variant (1).
Genome position (GRCh38, 1-based): chr6:75,155,809, G>T on the plus strand (C>A on the coding strand, the complement: COL12A1 is on the minus strand). VCF-style: chr6-75155809-G-T. GRCh37 (hg19) VCF-style: chr6-75865525-G-T.
Other names: c.74-3327C>A (NM_080645.3); short protein forms T1099N.
Identifiers: ClinVar variation 650797 (VCV000650797.14), dbSNP rs768943327, ClinGen allele CA3893755.
Genomic context (GRCh38, chr6:75,155,809, plus strand): 5'-ACTTTATAACCCTTCACTTCCCCAGGGGCAGGCTCCCAAGTCACTCGGAAGCTTGACATG[G>T]TTGGGTCAGATGTTTTGAGGTTTCTAGGAGACTTAAACCGAGAAGCTGTAAAGACAAAAA-3'
Protein context (NP_004361.3, residues 1089-1109): SPRNLKTSDP[Thr1099Asn]MSSFRVTWEP